The following is an entry in ClinVar:

NM_002677.5(PMP2):c.186A>G (p.Glu62=)

Gene: PMP2 (peripheral myelin protein 2; minus strand). Cytogenetic location: 8q21.13.
Variant type: single nucleotide variant.
Coding change: c.186A>G on transcript NM_002677.5 (MANE Select); coding-DNA position 186, A replaced by G.
Protein change: p.Glu62=; no amino-acid change (glutamic acid 62 retained).
Molecular consequence: synonymous variant. On other transcripts: intron variant (1).
Genome position (GRCh38, 1-based): chr8:81,444,877, T>C on the plus strand (A>G on the coding strand, the complement: PMP2 is on the minus strand). VCF-style: chr8-81444877-T-C. GRCh37 (hg19) VCF-style: chr8-82357112-T-C.
Other names: p.Glu62=; c.74-276A>G (NM_001348381.2).
Identifiers: ClinVar variation 1240806 (VCV001240806.14), dbSNP rs2229015, ClinGen allele CA4791961.

ClinVar aggregate classification (germline): Benign. Review status: criteria provided, multiple submitters, no conflicts (2 of 4 stars). 5 submissions from 5 submitters: Benign (4). 1 of the submissions does not count toward it. Last evaluated 2026-02-03.

Conditions:
PMP2-related disorder. Also called: PMP2-related condition.

Allele frequency attached by ClinVar (database versions not stated): gnomAD exomes 0.24331 and 0.19292; gnomAD 0.23345 and 0.23754; ExAC 0.23805; TOPMed 0.26333; 1000 Genomes Project 0.35144; ESP Exome Variant Server 0.22436; 1000 Genomes Project 30x 0.34791.
gnomAD v4.1: 318,489 of 1,611,968 alleles (20%); highest among the groups gnomAD compares: East Asian, 75%; 41,783 homozygotes.

Submissions (5):

Labcorp Genetics (formerly Invitae), Labcorp
Classification: Benign. Last evaluated: 2026-02-03. Review status: criteria provided, single submitter. Criteria: Invitae Variant Classification Sherloc (09022015). Collection method: clinical testing. Allele origin: germline.

Mayo Clinic Laboratories, Mayo Clinic
Classification: Benign. Last evaluated: 2022-03-24. Review status: criteria provided, single submitter. Criteria: ACMG Guidelines, 2015. Collection method: clinical testing. Allele origin: germline. Observed: 401 variant alleles.

GeneDx
Classification: Benign. Last evaluated: 2020-05-19. Review status: criteria provided, single submitter. Criteria: GeneDx Variant Classification Process June 2021. Collection method: clinical testing. Allele origin: germline. Affected: yes.

Breakthrough Genomics
Classification: Benign. Review status: criteria provided, single submitter. Criteria: ACMG Guidelines, 2015. Collection method: not provided. Allele origin: germline. Inheritance: Autosomal dominant inheritance. Affected: yes.

PreventionGenetics, part of Exact Sciences
Classification: Benign for PMP2-related condition. Last evaluated: 2024-02-13. Review status: no assertion criteria provided. Collection method: clinical testing. Allele origin: germline. Not counted in ClinVar's aggregate classification.
Comment: This variant is classified as benign based on ACMG/AMP sequence variant interpretation guidelines (Richards et al. 2015 PMID: 25741868, with internal and published modifications).